The following is an entry in ClinVar:

ClinVar aggregate classification (germline): Uncertain significance (1 of 4 stars; one submission).

Conditions:
Cardiovascular phenotype. Identifiers: MedGen CN230736.

gnomAD v4.1: 1 of 1,614,046 alleles (0.000062%); highest among the groups gnomAD compares: Admixed American, 0.0017%; no homozygotes.

Submission:

Ambry Genetics
Classification: Uncertain significance for Cardiovascular phenotype. Last evaluated: 2024-06-30. Review status: criteria provided, single submitter. Criteria: Ambry Variant Classification Scheme 2023. Collection method: clinical testing. Allele origin: germline.
Comment: The p.L2695F variant (also known as c.8083C>T), located in coding exon 38 of the ANK2 gene, results from a C to T substitution at nucleotide position 8083. The leucine at codon 2695 is replaced by phenylalanine, an amino acid with highly similar properties. This amino acid position is conserved. In addition, this alteration is predicted to be tolerated by in silico analysis. Based on the available evidence, the clinical significance of this variant remains unclear.

NM_001148.6(ANK2):c.8083C>T (p.Leu2695Phe)

Gene: ANK2 (ankyrin 2; plus strand). Cytogenetic location: 4q26.
Variant type: single nucleotide variant.
Coding change: c.8083C>T on transcript NM_001148.6 (MANE Select); coding-DNA position 8083, C replaced by T.
Protein change: p.Leu2695Phe; replaces leucine 2695 with phenylalanine.
Molecular consequence: missense variant. On other transcripts: intron variant (68).
Genome position (GRCh38, 1-based): chr4:113,356,701, C>T. VCF-style: chr4-113356701-C-T. GRCh37 (hg19) VCF-style: chr4-114277857-C-T.
Other names: c.7849C>T, p.Leu2617Phe (NM_001386142.1); c.4483C>T, p.Leu1495Phe (NM_001386166.1); c.8224C>T, p.Leu2742Phe (NM_001386174.1); c.8200C>T, p.Leu2734Phe (NM_001386175.1); c.4412-4122C>T (NM_001386186.2, NM_001386148.2); c.4214-4122C>T (NM_001354269.3); c.4292-4122C>T (NM_001386187.2); c.4253-4122C>T (NM_001386147.1); and 35 more; short protein forms L2695F, L2734F, L2742F, L1495F, L2617F.
Identifiers: ClinVar variation 3539344 (VCV003539344.1).